The following is an entry in ClinVar:

NM_016239.4(MYO15A):c.10192del (p.His3398fs)

Gene: MYO15A (myosin XVA; plus strand). Cytogenetic location: 17p11.2.
Variant type: Deletion.
Coding change: c.10192del on transcript NM_016239.4 (MANE Select); coding-DNA position 10192, one base deleted (C; older notation c.10192delC).
Protein change: p.His3398fs; shifts the reading frame from histidine 3398.
Molecular consequence: frameshift variant.
Genome position (GRCh38, 1-based): chr17:18,171,747, C deleted; the last of 5 consecutive C bases (chr17:18,171,743-18,171,747); deleting any one gives the same sequence. VCF-style (leftmost placement, unchanged base first): chr17-18171742-GC-G. GRCh37 (hg19) VCF-style: chr17-18075056-GC-G.
Other names: short protein forms H3398fs.
Identifiers: ClinVar variation 3601297 (VCV003601297.1).

ClinVar aggregate classification (germline): Likely pathogenic (1 of 4 stars; one submission).

Conditions:
Autosomal recessive nonsyndromic hearing loss 3. Also called: NEUROSENSORY NONSYNDROMIC RECESSIVE DEAFNESS 3. Identifiers: Orphanet 90636, MedGen C1838263, MONDO:0010860, OMIM 600316.

Submission:

Institute of Rare Diseases, West China Hospital, Sichuan University
Classification: Likely pathogenic for Autosomal recessive nonsyndromic hearing loss 3. Last evaluated: 2025-01-09. Review status: criteria provided, single submitter. Criteria: ClinGen HL ACMG Specifications v1. Collection method: research. Allele origin: germline. Affected: yes.
Comment: PVS1;PM2_Supporting